The following is an entry in ClinVar:

ClinVar aggregate classification (germline): Uncertain significance (1 of 4 stars; one submission).

Submission:

GeneDx
Classification: Uncertain significance. Last evaluated: 2024-05-10. Review status: criteria provided, single submitter. Criteria: GeneDx Variant Classification Process June 2021. Collection method: clinical testing. Allele origin: germline. Affected: yes.
Comment: Not observed at significant frequency in large population cohorts (gnomAD); In silico analysis supports that this missense variant has a deleterious effect on protein structure/function; Has not been previously published as pathogenic or benign to our knowledge

NM_001270.4(CHD1):c.1692C>A (p.Asp564Glu)

Gene: CHD1 (chromodomain helicase DNA binding protein 1; minus strand). Cytogenetic location: 5q15.
Variant type: single nucleotide variant.
Coding change: c.1692C>A on transcript NM_001270.4 (MANE Select); coding-DNA position 1692, C replaced by A.
Protein change: p.Asp564Glu; replaces aspartic acid 564 with glutamic acid.
Molecular consequence: missense variant. On other transcripts: non-coding transcript variant (2).
Genome position (GRCh38, 1-based): chr5:98,896,244, G>T on the plus strand (C>A on the coding strand, the complement: CHD1 is on the minus strand). VCF-style: chr5-98896244-G-T. GRCh37 (hg19) VCF-style: chr5-98231948-G-T.
Other names: c.1692C>A, p.Asp564Glu (NM_001364113.3, NM_001376194.2); short protein forms D564E.
Identifiers: ClinVar variation 3375820 (VCV003375820.1).